The following is an entry in ClinVar:

ClinVar aggregate classification (germline): Uncertain significance (1 of 4 stars; one submission).

Conditions:
Hereditary cancer-predisposing syndrome. Also called: Neoplastic Syndromes, Hereditary; Tumor predisposition; Hereditary neoplastic syndrome; Hereditary Cancer Syndrome. Identifiers: Orphanet 140162, MedGen C0027672, MeSH D009386, MONDO:0015356.

Submission:

Ambry Genetics
Classification: Uncertain significance for Hereditary cancer-predisposing syndrome. Last evaluated: 2026-07-07. Review status: criteria provided, single submitter. Criteria: Ambry Variant Classification Scheme 2023. Collection method: clinical testing. Allele origin: germline.
Comment: The p.Q784L variant (also known as c.2351A>T), located in coding exon 9 of the AXIN2 gene, results from an A to T substitution at nucleotide position 2351. The glutamine at codon 784 is replaced by leucine, an amino acid with dissimilar properties. This amino acid position is conserved. In addition, this alteration is predicted to be tolerated by in silico analysis. Based on the available evidence, the clinical significance of this variant remains unclear.

NM_004655.4(AXIN2):c.2351A>T (p.Gln784Leu)

Gene: AXIN2 (axin 2; minus strand). Cytogenetic location: 17q24.1.
Variant type: single nucleotide variant.
Coding change: c.2351A>T on transcript NM_004655.4 (MANE Select); coding-DNA position 2351, A replaced by T.
Protein change: p.Gln784Leu; replaces glutamine 784 with leucine.
Molecular consequence: missense variant.
Genome position (GRCh38, 1-based): chr17:65,533,966, T>A on the plus strand (A>T on the coding strand, the complement: AXIN2 is on the minus strand). VCF-style: chr17-65533966-T-A. GRCh37 (hg19) VCF-style: chr17-63530084-T-A.
Other names: c.2156A>T, p.Gln719Leu (NM_001363813.1); short protein forms Q784L, Q719L.
Identifiers: ClinVar variation 5032606 (VCV005032606.1).